The following is an entry in ClinVar:

NM_000166.6(GJB1):c.136G>A (p.Asp46Asn)

Gene: GJB1 (gap junction protein beta 1; plus strand). Cytogenetic location: Xq13.1.
Variant type: single nucleotide variant.
Coding change: c.136G>A on transcript NM_000166.6 (MANE Select); coding-DNA position 136, G replaced by A.
Protein change: p.Asp46Asn; replaces aspartic acid 46 with asparagine.
Molecular consequence: missense variant.
Genome position (GRCh38, 1-based): chrX:71,223,843, G>A. VCF-style: chrX-71223843-G-A. GRCh37 (hg19) VCF-style: chrX-70443693-G-A.
Other names: c.136G>A (NM_000166.5); c.136G>A, p.Asp46Asn (NM_001097642.3); short protein forms D46N.
Identifiers: ClinVar variation 2159559 (VCV002159559.5), dbSNP rs2519797858, ClinGen allele CA413501073.

ClinVar aggregate classification (germline): Conflicting classifications of pathogenicity. Review status: criteria provided, conflicting classifications (1 of 4 stars). 2 submissions from 2 submitters: Likely pathogenic (1); Uncertain significance (1). Last evaluated 2024-10-22.

Conditions:
GJB1-related disorder. Also called: GJB1-related disorders; GJB1-related condition.
Charcot-Marie-Tooth Neuropathy X. Identifiers: MedGen CN118851.

Submissions (2):

Labcorp Genetics (formerly Invitae), Labcorp
Classification: Uncertain significance for Charcot-Marie-Tooth Neuropathy X. Last evaluated: 2024-10-22. Review status: criteria provided, single submitter. Criteria: Invitae Variant Classification Sherloc (09022015). Collection method: clinical testing. Allele origin: germline.
Comment: This sequence change replaces aspartic acid, which is acidic and polar, with asparagine, which is neutral and polar, at codon 46 of the GJB1 protein (p.Asp46Asn). This variant is not present in population databases (gnomAD no frequency). This variant has not been reported in the literature in individuals affected with GJB1-related conditions. ClinVar contains an entry for this variant (Variation ID: 2159559). Invitae Evidence Modeling of protein sequence and biophysical properties (such as structural, functional, and spatial information, amino acid conservation, physicochemical variation, residue mobility, and thermodynamic stability) has been performed for this missense variant. However, the output from this modeling did not meet the statistical confidence thresholds required to predict the impact of this variant on GJB1 protein function. This variant disrupts the p.Asp46 amino acid residue in GJB1. Other variant(s) that disrupt this residue have been observed in individuals with GJB1-related conditions (PMID: 16922730; internal data), which suggests that this may be a clinically significant amino acid residue. In summary, the available evidence is currently insufficient to determine the role of this variant in disease. Therefore, it has been classified as a Variant of Uncertain Significance.

PreventionGenetics, part of Exact Sciences
Classification: Likely pathogenic for GJB1-related condition. Last evaluated: 2023-03-07. Review status: criteria provided, single submitter. Criteria: ACMG Guidelines, 2015. Collection method: clinical testing. Allele origin: germline.
Comment: The GJB1 c.136G>A variant is predicted to result in the amino acid substitution p.Asp46Asn. This variant has been reported in the hemizygous state in an individual with Charcot-Marie-Tooth neuropathy (Lee et al. 2018. Journal of Genetic Medicine 15:107-109). Alternate substitutions of this amino acid residue (p.Asp46Gly and p.Asp46Val) have been reported in individuals with Charcot-Marie-Tooth disease (Park et al. 2006. PubMed ID: 16922730; Figure 2 in Liu et al. 2020. PubMed ID: 32903794). This variant is not reported in a large population database, indicating this variant is rare. Given the evidence, we interpret c.136G>A (p.Asp46Asn) as likely pathogenic.

Literature cited by the submitters: PubMed 16922730 (cited by Labcorp Genetics (formerly Invitae), Labcorp).